The following is an entry in ClinVar:

NM_001378454.1(ALMS1):c.4351G>T (p.Glu1451Ter)

Gene: ALMS1 (ALMS1 centrosome and basal body associated protein; plus strand). Cytogenetic location: 2p13.1.
Variant type: single nucleotide variant.
Coding change: c.4351G>T on transcript NM_001378454.1 (MANE Select); coding-DNA position 4351, G replaced by T.
Protein change: p.Glu1451Ter; replaces glutamic acid 1451 with a stop codon.
Molecular consequence: nonsense.
Genome position (GRCh38, 1-based): chr2:73,450,878, G>T. VCF-style: chr2-73450878-G-T. GRCh37 (hg19) VCF-style: chr2-73678005-G-T.
Other names: c.4354G>T, p.Glu1452Ter (NM_015120.4); short protein forms E1451*, E1452*.
Identifiers: ClinVar variation 1726217 (VCV001726217.2), dbSNP rs2466101388, ClinGen allele CA347278231.

ClinVar aggregate classification (germline): Likely pathogenic (1 of 4 stars; one submission).

Conditions:
Alstrom syndrome (ALMS). Identifiers: Orphanet 64, MedGen C0268425, MONDO:0008763, OMIM 203800.

Submission:

Myriad Genetics, Inc.
Classification: Likely pathogenic for Alstrom syndrome. Last evaluated: 2022-05-26. Review status: criteria provided, single submitter. Criteria: Myriad Women's Health Autosomal Recessive and X-Linked Classification Criteria (2021). Collection method: clinical testing. Allele origin: unknown.
Comment: NM_015120.4(ALMS1):c.4354G>T(E1452*) is expected to be pathogenic in the context of Alstrom syndrome. This variant is predicted to lead to an abnormal or absent protein product due to the creation of a premature termination codon in ALMS1, a gene where loss-of-function variants are known to be pathogenic. Please note: this variant was assessed in the context of healthy population screening.